The following is an entry in ClinVar:

ClinVar aggregate classification (germline): Uncertain significance (1 of 4 stars; one submission).

Conditions:
Familial episodic pain syndrome with predominantly lower limb involvement. Also called: Episodic pain syndrome, familial, 3. Identifiers: Orphanet 391384, Orphanet 391392, MedGen C3809899, MONDO:0014247, OMIM 615552.
Hereditary sensory and autonomic neuropathy type 7. Also called: HSAN VII; Neuropathy, hereditary sensory and autonomic, type VII. Identifiers: Orphanet 391397, MedGen C3809882, MONDO:0014244, OMIM 615548.

gnomAD v4.1: 6 of 1,609,060 alleles (0.00037%); highest among the groups gnomAD compares: Admixed American, 0.0017%; no homozygotes.

Submission:

Labcorp Genetics (formerly Invitae), Labcorp
Classification: Uncertain significance for Familial episodic pain syndrome with predominantly lower limb involvement; Hereditary sensory and autonomic neuropathy type 7. Last evaluated: 2025-07-08. Review status: criteria provided, single submitter. Criteria: Invitae Variant Classification Sherloc (09022015). Collection method: clinical testing. Allele origin: germline.
Comment: This sequence change replaces serine, which is neutral and polar, with alanine, which is neutral and non-polar, at codon 482 of the SCN11A protein (p.Ser482Ala). This variant is present in population databases (rs766537429, gnomAD 0.0009%). This variant has not been reported in the literature in individuals affected with SCN11A-related conditions. Invitae Evidence Modeling of protein sequence and biophysical properties (such as structural, functional, and spatial information, amino acid conservation, physicochemical variation, residue mobility, and thermodynamic stability) indicates that this missense variant is not expected to disrupt SCN11A protein function with a negative predictive value of 80%. In summary, the available evidence is currently insufficient to determine the role of this variant in disease. Therefore, it has been classified as a Variant of Uncertain Significance.

NM_001349253.2(SCN11A):c.1444T>G (p.Ser482Ala)

Gene: SCN11A (sodium voltage-gated channel alpha subunit 11; minus strand). Cytogenetic location: 3p22.2.
Variant type: single nucleotide variant.
Coding change: c.1444T>G on transcript NM_001349253.2 (MANE Select); coding-DNA position 1444, T replaced by G.
Protein change: p.Ser482Ala; replaces serine 482 with alanine.
Molecular consequence: missense variant.
Genome position (GRCh38, 1-based): chr3:38,907,978, A>C on the plus strand (T>G on the coding strand, the complement: SCN11A is on the minus strand). VCF-style: chr3-38907978-A-C. GRCh37 (hg19) VCF-style: chr3-38949469-A-C.
Other names: c.1444T>G, p.Ser482Ala (NM_014139.3); short protein forms S482A.
Identifiers: ClinVar variation 4790309 (VCV004790309.1).